The following is an entry in ClinVar:

ClinVar aggregate classification (germline): Likely pathogenic (1 of 4 stars; one submission).

Conditions:
Inborn genetic diseases. Identifiers: MedGen C0950123, MeSH D030342.

Submission:

Ambry Genetics
Classification: Likely pathogenic for Inborn genetic diseases. Last evaluated: 2021-10-08. Review status: criteria provided, single submitter. Criteria: Ambry Variant Classification Scheme 2023. Collection method: clinical testing. Allele origin: germline.
Comment: The c.627-1G>C intronic variant results from a G to C substitution one nucleotide before coding exon 6 of the TBC1D20 gene. Alterations that disrupt the canonical splice site are expected to cause aberrant splicing, resulting in an abnormal protein or a transcript that is subject to nonsense-mediated mRNA decay. This variant was not reported in population-based cohorts in the Genome Aggregation Database (gnomAD). This nucleotide position is highly conserved in available vertebrate species. In silico splice site analysis predicts that this alteration will weaken the native splice acceptor site and will result in the creation or strengthening of a novel splice acceptor site. Based on the available evidence, this alteration is classified as likely pathogenic.

NM_144628.4(TBC1D20):c.627-1G>C

Gene: TBC1D20 (TBC1 domain family member 20; minus strand). Cytogenetic location: 20p13.
Variant type: single nucleotide variant.
Coding change: c.627-1G>C on transcript NM_144628.4 (MANE Select); the canonical splice acceptor site of the intron before coding-DNA position 627, G replaced by C.
Molecular consequence: splice acceptor variant.
Genome position (GRCh38, 1-based): chr20:440,390, C>G on the plus strand (G>C on the coding strand, the complement: TBC1D20 is on the minus strand). VCF-style: chr20-440390-C-G. GRCh37 (hg19) VCF-style: chr20-421034-C-G.
Identifiers: ClinVar variation 2241578 (VCV002241578.2), dbSNP rs1600328992, ClinGen allele CA407944907.
Genomic context (GRCh38, chr20:440,390, plus strand): 5'-AGGACATGCCCAAACCAGGTGATGAGCCAGCTGAGGGCAAAGATGGTCCCTACCTCAGCA[C>G]TAGAAACAAAGGAAAGGCAGGTGTCAGGTCCTGTGGGCCATCCCTTCCCTCTCTCTGGGC-3'